The following is an entry in ClinVar:

NM_024079.5(ALG8):c.364C>T (p.Arg122Cys)

Gene: ALG8 (ALG8 alpha-1,3-glucosyltransferase; minus strand). Cytogenetic location: 11q14.1.
Variant type: single nucleotide variant.
Coding change: c.364C>T on transcript NM_024079.5 (MANE Select); coding-DNA position 364, C replaced by T.
Protein change: p.Arg122Cys; replaces arginine 122 with cysteine.
Molecular consequence: missense variant.
Genome position (GRCh38, 1-based): chr11:78,124,025, G>A on the plus strand (C>T on the coding strand, the complement: ALG8 is on the minus strand). VCF-style: chr11-78124025-G-A. GRCh37 (hg19) VCF-style: chr11-77835071-G-A.
Other names: c.364C>T (NM_024079.4); c.364C>T, p.Arg122Cys (NM_001007027.3, NM_001425221.1, NM_001425222.1 and 13 more transcripts); c.367C>T, p.Arg123Cys (NM_001425219.1); c.211C>T, p.Arg71Cys (NM_001425226.1, NM_001425235.1, NM_001425236.1); c.163C>T, p.Arg55Cys (NM_001425231.1); c.100C>T, p.Arg34Cys (NM_001425234.1, NM_001425239.1); c.-149C>T (NM_001425241.1); c.-187C>T (NM_001425242.1); short protein forms R123C, R34C, R122C, R71C, R55C.
Identifiers: ClinVar variation 2718349 (VCV002718349.5), dbSNP rs745537692, ClinGen allele CA6203530.
Genomic context (GRCh38, chr11:78,124,025, plus strand): 5'-AACACTGTACTATTTTTTCAATACCTTCCATACAAAATGACATGCTCCAGACTTACTCAC[G>A]GACAGCATACACAAAGAGTACATCCATAAAGATGACGGAAAATCTCTGGAAAAGTAAGGT-3'
Protein context (NP_076984.2, residues 112-132): FMDVLFVYAV[Arg122Cys]ECCKCIDGKK

ClinVar aggregate classification (germline): Uncertain significance. Review status: criteria provided, single submitter (1 of 4 stars). 2 submissions from 2 submitters: Uncertain significance (1). 1 of the submissions does not count toward it. Last evaluated 2023-10-06.

Conditions:
ALG8-related disorder.
ALG8 congenital disorder of glycosylation. Also called: CONGENITAL DISORDER OF GLYCOSYLATION, TYPE Ih; CDG Ih; ALG8-CDG. Identifiers: Orphanet 79325, MedGen C2931002, MONDO:0011969, OMIM 608104.

Allele frequency attached by ClinVar (database versions not stated): ExAC 0.00002.

Submissions (2):

Labcorp Genetics (formerly Invitae), Labcorp
Classification: Uncertain significance for ALG8 congenital disorder of glycosylation. Last evaluated: 2023-10-06. Review status: criteria provided, single submitter. Criteria: Invitae Variant Classification Sherloc (09022015). Collection method: clinical testing. Allele origin: germline.
Comment: This sequence change replaces arginine, which is basic and polar, with cysteine, which is neutral and slightly polar, at codon 122 of the ALG8 protein (p.Arg122Cys). This variant is present in population databases (rs745537692, gnomAD 0.003%). This variant has not been reported in the literature in individuals affected with ALG8-related conditions. Advanced modeling of protein sequence and biophysical properties (such as structural, functional, and spatial information, amino acid conservation, physicochemical variation, residue mobility, and thermodynamic stability) performed at Invitae indicates that this missense variant is not expected to disrupt ALG8 protein function. In summary, the available evidence is currently insufficient to determine the role of this variant in disease. Therefore, it has been classified as a Variant of Uncertain Significance.

PreventionGenetics, part of Exact Sciences
Classification: Uncertain significance for ALG8-related condition. Last evaluated: 2023-11-05. Review status: no assertion criteria provided. Collection method: clinical testing. Allele origin: germline. Not counted in ClinVar's aggregate classification.
Comment: The ALG8 c.364C>T variant is predicted to result in the amino acid substitution p.Arg122Cys. To our knowledge, this variant has not been reported in the literature. This variant is reported in 0.0026% of alleles in individuals of European (Non-Finnish) descent in gnomAD. At this time, the clinical significance of this variant is uncertain due to the absence of conclusive functional and genetic evidence.